The following is an entry in ClinVar:

NM_003793.4(CTSF):c.100_112del (p.Pro34fs)

Gene: CTSF (cathepsin F; minus strand). Cytogenetic location: 11q13.2.
Variant type: Deletion.
Coding change: c.100_112del on transcript NM_003793.4 (MANE Select); coding-DNA positions 100 to 112, 13 bases deleted (CCGCCGTCCCCGG).
Protein change: p.Pro34fs; shifts the reading frame from proline 34.
Molecular consequence: frameshift variant.
Genome position (GRCh38, 1-based): chr11:66,568,375-66,568,387, CCGGGGACGGCGG deleted on the plus strand (CCGCCGTCCCCGG on the coding strand, the reverse complement: CTSF is on the minus strand); deleting any 13 consecutive bases within chr11:66,568,375-66,568,389 gives the same sequence; the c. name uses the placement nearest the transcript's 3' end. VCF-style (leftmost placement, unchanged base first): chr11-66568374-TCCGGGGACGGCGG-T. GRCh37 (hg19) VCF-style: chr11-66335845-TCCGGGGACGGCGG-T.
Other names: short protein forms P34fs.
Identifiers: ClinVar variation 4886585 (VCV004886585.2).
Genomic context (GRCh38, chr11:66,568,374, plus strand): 5'-GTCCCCGCAGCCCGGCCGCGGTTGAACATCTCCAGCGCGAAGCGGGTGGGCGCCAGCAGC[TCCGGGGACGGCGG>T]CCCCCAGGCCTGAAAGCTGGCGGCTCGGGGCTGGGCGGGGGCGGCCACTGCGCCCGGGAG-3'

ClinVar aggregate classification (germline): Likely pathogenic (1 of 4 stars; one submission).

Submission:

Dasa
Classification: Likely pathogenic. Last evaluated: 2026-01-21. Review status: criteria provided, single submitter. Criteria: DASA Assertion Criteria. Collection method: clinical testing. Allele origin: germline.
Comment: NM_003793.4(CTSF):c.100_112del (p.Pro34Serfs*110) is a frameshift variant in CTSF predicted to alter the reading frame and introduce a premature termination codon and is predicted to result in an absent or altered protein product. Loss of function is an established disease mechanism for CTSF-associated disorders. Also, this variant is rare in population databases. Based on the currently available evidence, this variant is classified as likely pathogenic.